The following is an entry in ClinVar:

ClinVar aggregate classification (germline): Benign/Likely benign. Review status: criteria provided, multiple submitters, no conflicts (2 of 4 stars). 7 submissions from 7 submitters: Benign (4); Likely benign (1). 2 of the submissions do not count toward it. Last evaluated 2026-02-04.

Conditions:
Ehlers-Danlos syndrome, musculocontractural type 2 (EDSMC2). Identifiers: Orphanet 2953, MedGen C3809845, MONDO:0014236, OMIM 615539.

Allele frequency attached by ClinVar (database versions not stated): gnomAD exomes 0.29227 and 0.22515; 1000 Genomes Project 0.13658; 1000 Genomes Project 30x 0.14225; ExAC 0.22432; gnomAD 0.23000 and 0.23388; TOPMed 0.23403; ESP Exome Variant Server 0.26065.
gnomAD v4.1: 461,954 of 1,613,834 alleles (29%); highest among the groups gnomAD compares: Non-Finnish European, 33%; 71,873 homozygotes.

Submissions (7):

Labcorp Genetics (formerly Invitae), Labcorp
Classification: Benign for Ehlers-Danlos syndrome, musculocontractural type 2. Last evaluated: 2026-02-04. Review status: criteria provided, single submitter. Criteria: Invitae Variant Classification Sherloc (09022015). Collection method: clinical testing. Allele origin: germline.

Women's Health and Genetics/Laboratory Corporation of America, LabCorp
Classification: Likely benign. Last evaluated: 2026-01-21. Review status: criteria provided, single submitter. Criteria: LabCorp Variant Classification Summary - May 2015. Collection method: clinical testing. Allele origin: germline.

Mayo Clinic Laboratories, Mayo Clinic
Classification: Benign. Last evaluated: 2022-04-26. Review status: criteria provided, single submitter. Criteria: ACMG Guidelines, 2015. Collection method: clinical testing. Allele origin: germline. Observed: 1,602 variant alleles.

Genome-Nilou Lab
Classification: Benign for Ehlers-Danlos syndrome, musculocontractural type 2. Last evaluated: 2021-07-30. Review status: criteria provided, single submitter. Criteria: ACMG Guidelines, 2015. Collection method: clinical testing. Allele origin: germline. Affected: no.

GeneDx
Classification: Benign. Last evaluated: 2016-09-29. Review status: criteria provided, single submitter. Criteria: GeneDx Variant Classification (06012015). Collection method: clinical testing. Allele origin: germline. Affected: yes.
Comment: This variant is considered likely benign or benign based on one or more of the following criteria: it is a conservative change, it occurs at a poorly conserved position in the protein, it is predicted to be benign by multiple in silico algorithms, and/or has population frequency not consistent with disease.

Genome Diagnostics Laboratory, Amsterdam University Medical Center
Classification: Benign. Review status: no assertion criteria provided. Collection method: clinical testing. Allele origin: germline. Affected: yes. Study: VKGL Data-share Consensus. Not counted in ClinVar's aggregate classification.

Joint Genome Diagnostic Labs from Nijmegen and Maastricht, Radboudumc and MUMC+
Classification: Benign. Review status: no assertion criteria provided. Collection method: clinical testing. Allele origin: germline. Affected: yes. Study: VKGL Data-share Consensus. Not counted in ClinVar's aggregate classification.

NM_013352.4(DSE):c.74C>T (p.Thr25Ile)

Gene: DSE (dermatan sulfate epimerase; plus strand). Cytogenetic location: 6q22.1.
Variant type: single nucleotide variant.
Coding change: c.74C>T on transcript NM_013352.4 (MANE Select); coding-DNA position 74, C replaced by T.
Protein change: p.Thr25Ile; replaces threonine 25 with isoleucine.
Molecular consequence: missense variant. On other transcripts: 5 prime UTR variant (4), non-coding transcript variant (1).
Genome position (GRCh38, 1-based): chr6:116,399,324, C>T. VCF-style: chr6-116399324-C-T. GRCh37 (hg19) VCF-style: chr6-116720487-C-T.
Other names: p.Thr25Ile; c.74C>T, p.Thr25Ile (NM_001080976.3, NM_001322937.2, NM_001322938.2 and 3 more transcripts); c.131C>T, p.Thr44Ile (NM_001322939.2); c.-484C>T (NM_001322940.2, NM_001322941.2); c.-827C>T (NM_001374520.1); c.-514C>T (NM_001374521.1); short protein forms T25I, T44I.
Identifiers: ClinVar variation 384684 (VCV000384684.18), dbSNP rs10485183, ClinGen allele CA3969451.